The following is an entry in ClinVar:

NM_020821.3(VPS13C):c.3908+12_3908+13insAGGTATGCTCTTTCTTTTTTTTTTTTTTTTTTTTNNNNNNNNNNCTCGGCTCACTGCAAGCTCCTCTTCCAGGGTTCACGCCATTCTCATTCCTCAGCCTAACGAGTATC

Gene: VPS13C (vacuolar protein sorting 13 homolog C; minus strand). Cytogenetic location: 15q22.2.
Variant type: Insertion.
Coding change: c.3908+12_3908+13insAGGTATGCTCTTTCTTTTTTTTTTTTTTTTTTTTNNNNNNNNNNCTCGGCTCACTGCAAGCTCCTCTTCCAGGGTTCACGCCATTCTCATTCCTCAGCCTAACGAGTATC on transcript NM_020821.3 (MANE Select); bases 12 to 13 of the intron after coding-DNA position 3908, AGGTATGCTCTTTCTTTTTTTTTTTTTTTTTTTTNNNNNNNNNNCTCGGCTCACTGCAAGCTCCTCTTCCAGGGTTCACGCCATTCTCATTCCTCAGCCTAACGAGTATC inserted.
Molecular consequence: splice donor variant.
Genome position: GRCh38: chr15:61,961,590-61,961,591. GRCh37 (hg19): chr15:62,253,789-62,253,790.
Other names: c.3779+12_3779+13insAGGTATGCTCTTTCTTTTTTTTTTTTTTTTTTTTNNNNNNNNNNCTCGGCTCACTGCAAGCTCCTCTTCCAGGGTTCACGCCATTCTCATTCCTCAGCCTAACGAGTATC (NM_017684.5, NM_018080.4); c.3908+12_3908+13insAGGTATGCTCTTTCTTTTTTTTTTTTTTTTTTTTNNNNNNNNNNCTCGGCTCACTGCAAGCTCCTCTTCCAGGGTTCACGCCATTCTCATTCCTCAGCCTAACGAGTATC (NM_001018088.3).
Identifiers: ClinVar variation 2115542 (VCV002115542.4), dbSNP rs2547981696.

ClinVar aggregate classification (germline): Uncertain significance (1 of 4 stars; one submission).

Submission:

Labcorp Genetics (formerly Invitae), Labcorp
Classification: Uncertain significance. Last evaluated: 2022-03-21. Review status: criteria provided, single submitter. Criteria: Invitae Variant Classification Sherloc (09022015). Collection method: clinical testing. Allele origin: germline.
Comment: In summary, the available evidence is currently insufficient to determine the role of this variant in disease. Therefore, it has been classified as a Variant of Uncertain Significance. Algorithms developed to predict the effect of sequence changes on RNA splicing suggest that this variant may create or strengthen a splice site. This variant has not been reported in the literature in individuals affected with VPS13C-related conditions. This variant is not present in population databases (gnomAD no frequency). This sequence change falls in intron 35 of the VPS13C gene. It does not directly change the encoded amino acid sequence of the VPS13C protein.